The following is an entry in ClinVar:

ClinVar aggregate classification (germline): Uncertain significance (1 of 4 stars; one submission).

Conditions:
Familial hemophagocytic lymphohistiocytosis 4 (FHL4). Also called: STX11-Related Familial Hemophagocytic Lymphohistiocytosis (STX11-fHLH). Identifiers: Orphanet 540, MedGen C1863728, MONDO:0011336, OMIM 603552.

Submission:

Labcorp Genetics (formerly Invitae), Labcorp
Classification: Uncertain significance for Familial hemophagocytic lymphohistiocytosis 4. Last evaluated: 2021-10-03. Review status: criteria provided, single submitter. Criteria: Invitae Variant Classification Sherloc (09022015). Collection method: clinical testing. Allele origin: germline.
Comment: In summary, the available evidence is currently insufficient to determine the role of this variant in disease. Therefore, it has been classified as a Variant of Uncertain Significance. Algorithms developed to predict the effect of missense changes on protein structure and function are either unavailable or do not agree on the potential impact of this missense change (SIFT: "Tolerated"; PolyPhen-2: "Probably Damaging"; Align-GVGD: "Class C0"). This variant has not been reported in the literature in individuals affected with STX11-related conditions. This variant is not present in population databases (ExAC no frequency). This sequence change replaces glycine with cysteine at codon 119 of the STX11 protein (p.Gly119Cys). The glycine residue is moderately conserved and there is a large physicochemical difference between glycine and cysteine.

NM_003764.4(STX11):c.355G>T (p.Gly119Cys)

Gene: STX11 (syntaxin 11; plus strand). Cytogenetic location: 6q24.2.
Variant type: single nucleotide variant.
Coding change: c.355G>T on transcript NM_003764.4 (MANE Select); coding-DNA position 355, G replaced by T.
Protein change: p.Gly119Cys; replaces glycine 119 with cysteine.
Molecular consequence: missense variant.
Genome position (GRCh38, 1-based): chr6:144,186,982, G>T. VCF-style: chr6-144186982-G-T. GRCh37 (hg19) VCF-style: chr6-144508119-G-T.
Other names: short protein forms G119C.
Identifiers: ClinVar variation 1463063 (VCV001463063.6), dbSNP rs866658690, ClinGen allele CA149823934.